The following is an entry in ClinVar:

NM_003394.4(WNT10B):c.158G>T (p.Gly53Val)

Gene: WNT10B (Wnt family member 10B; minus strand). Cytogenetic location: 12q13.12.
Variant type: single nucleotide variant.
Coding change: c.158G>T on transcript NM_003394.4 (MANE Select); coding-DNA position 158, G replaced by T.
Protein change: p.Gly53Val; replaces glycine 53 with valine.
Molecular consequence: missense variant.
Genome position (GRCh38, 1-based): chr12:48,970,268, C>A on the plus strand (G>T on the coding strand, the complement: WNT10B is on the minus strand). VCF-style: chr12-48970268-C-A. GRCh37 (hg19) VCF-style: chr12-49364051-C-A.
Other names: short protein forms G53V.
Identifiers: ClinVar variation 4529959 (VCV004529959.1).
Genomic context (GRCh38, chr12:48,970,268, plus strand): 5'-AGCGCGGACGCCGTCACGTCGGGGTTGCGCAGGCACAGGCCTAGCTGCCGCTTGCTCAGG[C>A]CGGACAGCGTCAAGCACACGGTGTTGGCCGTCAGCGGCGGCTCGCCAGGCAACTTCAGGC-3'
Protein context (NP_003385.2, residues 43-63): TANTVCLTLS[Gly53Val]LSKRQLGLCL

ClinVar aggregate classification (germline): Uncertain significance (1 of 4 stars; one submission).

Submission:

GeneDx
Classification: Uncertain significance. Last evaluated: 2025-05-16. Review status: criteria provided, single submitter. Criteria: GeneDx Variant Classification Process June 2021. Collection method: clinical testing. Allele origin: germline. Affected: yes.
Comment: Not observed at significant frequency in large population cohorts (gnomAD); In silico analysis supports that this missense variant has a deleterious effect on protein structure/function; Has not been previously published as pathogenic or benign to our knowledge